The following is an entry in ClinVar:

ClinVar aggregate classification (germline): Uncertain significance (1 of 4 stars; one submission).

Conditions:
CTCF-related neurodevelopmental disorder. Also called: INTELLECTUAL DEVELOPMENTAL DISORDER, AUTOSOMAL DOMINANT 21; Intellectual disability-feeding difficulties-developmental delay-microcephaly syndrome. Identifiers: Orphanet 363611, MedGen C3809686, MONDO:0014213, OMIM 615502.

Submission:

OLLIN Analises Genomicas, OLLIN
Classification: Uncertain significance for CTCF-related neurodevelopmental disorder. Last evaluated: 2026-02-13. Review status: criteria provided, single submitter. Criteria: ACMG Guidelines 2015 PMID 25741868. Collection method: clinical testing. Allele origin: germline. Observed: 1 variant allele.
Comment: PM2_P, PP2, BP4

NM_006565.4(CTCF):c.1976C>T (p.Thr659Ile)

Gene: CTCF (CCCTC-binding factor; plus strand). Cytogenetic location: 16q22.1.
Variant type: single nucleotide variant.
Coding change: c.1976C>T on transcript NM_006565.4 (MANE Select); coding-DNA position 1976, C replaced by T.
Protein change: p.Thr659Ile; replaces threonine 659 with isoleucine.
Molecular consequence: missense variant.
Genome position (GRCh38, 1-based): chr16:67,636,828, C>T. VCF-style: chr16-67636828-C-T. GRCh37 (hg19) VCF-style: chr16-67670731-C-T.
Other names: c.992C>T, p.Thr331Ile (NM_001191022.2); c.1976C>T, p.Thr659Ile (NM_001363916.2, NM_001438968.1, NM_001438969.1); short protein forms T331I, T659I.
Identifiers: ClinVar variation 4814075 (VCV004814075.1).